The following is an entry in ClinVar:

ClinVar aggregate classification (germline): Uncertain significance (1 of 4 stars; one submission).

Conditions:
Episodic kinesigenic dyskinesia (EKD). Also called: Paroxysmal kinesigenic dyskinesia. Identifiers: Orphanet 98809, MedGen C1868682, MONDO:0044202.

Allele frequency attached by ClinVar (database versions not stated): ExAC 0.00001; gnomAD 0.00001; gnomAD exomes 0.00001; TOPMed 0.00001.

Submission:

Labcorp Genetics (formerly Invitae), Labcorp
Classification: Uncertain significance for Episodic kinesigenic dyskinesia. Last evaluated: 2025-05-27. Review status: criteria provided, single submitter. Criteria: Invitae Variant Classification Sherloc (09022015). Collection method: clinical testing. Allele origin: germline.
Comment: This sequence change replaces valine, which is neutral and non-polar, with methionine, which is neutral and non-polar, at codon 286 of the PRRT2 protein (p.Val286Met). This variant is present in population databases (rs751344101, gnomAD 0.009%). This missense change has been observed in individual(s) with paroxysmal kinesigenic dyskinesia (PMID: 30635245, 37271286). ClinVar contains an entry for this variant (Variation ID: 655310). Invitae Evidence Modeling of protein sequence and biophysical properties (such as structural, functional, and spatial information, amino acid conservation, physicochemical variation, residue mobility, and thermodynamic stability) has been performed for this missense variant. However, the output from this modeling did not meet the statistical confidence thresholds required to predict the impact of this variant on PRRT2 protein function. Experimental studies are conflicting or provide insufficient evidence to determine the effect of this variant on PRRT2 function (PMID: 37271286). In summary, the available evidence is currently insufficient to determine the role of this variant in disease. Therefore, it has been classified as a Variant of Uncertain Significance.

Literature cited by the submitters: PubMed 30635245; PubMed 37271286.

NM_145239.3(PRRT2):c.856G>A (p.Val286Met)

Genes: MVP-DT (MVP divergent transcript; minus strand), PRRT2 (proline rich transmembrane protein 2; plus strand). Cytogenetic location: 16p11.2.
Variant type: single nucleotide variant.
Coding change: c.856G>A on transcript NM_145239.3 (MANE Select); coding-DNA position 856, G replaced by A.
Protein change: p.Val286Met; replaces valine 286 with methionine.
Molecular consequence: missense variant.
Genome position (GRCh38, 1-based): chr16:29,813,910, G>A. VCF-style: chr16-29813910-G-A. GRCh37 (hg19) VCF-style: chr16-29825231-G-A.
Other names: c.856G>A, p.Val286Met (NM_001256442.2, NM_001256443.2); short protein forms V286M.
Identifiers: ClinVar variation 655310 (VCV000655310.11), dbSNP rs751344101, ClinGen allele CA7994590.
Genomic context (GRCh38, chr16:29,813,910, plus strand): 5'-CGGGACTACATCATCCTTGCCATCCTGTCCTGCTTCTGCCCCATGTGGCCTGTCAACATC[G>A]TGGCCTTCGCTTATGCTGTCATGGTGAGCCCCATGGGACCCTAGCCCAGGCCTGCTGTGG-3'
Protein context (NP_660282.2, residues 276-296): CFCPMWPVNI[Val286Met]AFAYAVMSRN